The following is an entry in ClinVar:

ClinVar aggregate classification (germline): Conflicting classifications of pathogenicity. Review status: criteria provided, conflicting classifications (1 of 4 stars). 4 submissions from 3 submitters: Uncertain significance (3); Likely benign (1). Last evaluated 2026-02-02.

Conditions:
Cardiovascular phenotype. Identifiers: MedGen CN230736.
Hereditary cancer-predisposing syndrome. Also called: Hereditary Cancer Syndrome; Neoplastic Syndromes, Hereditary; Tumor predisposition; Hereditary neoplastic syndrome. Identifiers: Orphanet 140162, MedGen C0027672, MeSH D009386, MONDO:0015356.
Neurofibromatosis, type 1 (NF1). Also called: Neurofibromatosis, type I; VON RECKLINGHAUSEN DISEASE; NEUROFIBROMATOSIS, TYPE I, SOMATIC; Peripheral type neurofibromatosis. Identifiers: Orphanet 636, MedGen C0027831, MONDO:0018975, OMIM 162200. Disease mechanism: loss of function.

Submissions (4):

Labcorp Genetics (formerly Invitae), Labcorp
Classification: Likely benign for Neurofibromatosis, type 1. Last evaluated: 2026-02-02. Review status: criteria provided, single submitter. Criteria: Invitae Variant Classification Sherloc (09022015). Collection method: clinical testing. Allele origin: germline.

Genome-Nilou Lab
Classification: Uncertain significance for Neurofibromatosis, type 1. Last evaluated: 2022-03-15. Review status: criteria provided, single submitter. Criteria: ACMG Guidelines, 2015. Collection method: clinical testing. Allele origin: germline. Affected: no.

Ambry Genetics
Classification: Uncertain significance for Cardiovascular phenotype; Hereditary cancer-predisposing syndrome. Last evaluated: 2020-03-14. Review status: criteria provided, single submitter. Criteria: Ambry Variant Classification Scheme 2023. Collection method: clinical testing. Allele origin: germline.
Comment: The c.479+3T>G intronic alteration consists of a T to G substitution nucleotides after coding exon 4 in the NF1 gene. Based on insufficient or conflicting evidence, the clinical significance of this alteration remains unclear.

Ambry Genetics
Classification: Uncertain significance for Hereditary cancer-predisposing syndrome. Last evaluated: 2015-03-09. Review status: criteria provided, single submitter. Criteria: Ambry Autosomal Dominant and X-Linked criteria (10/2015). Collection method: clinical testing. Allele origin: germline. Observed: 1 variant allele.
Comment: The c.479+3T>G intronic variant results from a T to G substitution 3 nucleotides after coding exon 4 in the NF1 gene. This variant was not reported in population based cohorts in the following databases: Database of Single Nucleotide Polymorphisms (dbSNP), NHLBI Exome Sequencing Project (ESP), and 1000 Genomes Project. In the ESP, this variant was not observed in 6503 samples (13006 alleles) with coverage at this position. To date, this alteration has been detected with an allele frequency of approximately 0.003% (greater than 30000 alleles tested) in our clinical cohort.<span style="font-family:arial,sans-serif; font-size:10pt">Using the BDGP and ESEfinder splice site prediction tools, this alteration is predicted to strengthen the native donor splice site efficiency; however, direct evidence is unavailable.Since supporting evidence is limited at this time, the clinical significance of c.479+3T>G remains unclear.

NM_001042492.3(NF1):c.479+3T>G

Gene: NF1 (neurofibromin 1; plus strand). Cytogenetic location: 17q11.2.
Variant type: single nucleotide variant.
Coding change: c.479+3T>G on transcript NM_001042492.3 (MANE Select); 3 bases into the intron after coding-DNA position 479, T replaced by G.
Molecular consequence: intron variant.
Genome position (GRCh38, 1-based): chr17:31,163,379, T>G. VCF-style: chr17-31163379-T-G. GRCh37 (hg19) VCF-style: chr17-29490397-T-G.
Other names: c.479+3T>G (NM_000267.3, NM_000267.4, NM_001128147.3).
Identifiers: ClinVar variation 230759 (VCV000230759.12), dbSNP rs876658752, ClinGen allele CA10580191.